The following is an entry in ClinVar:

ClinVar aggregate classification (germline): Conflicting classifications of pathogenicity. Review status: criteria provided, conflicting classifications (1 of 4 stars). 3 submissions from 3 submitters: Uncertain significance (2); Likely benign (1). Last evaluated 2026-05-01.

Conditions:
Severe combined immunodeficiency due to DNA-PKcs deficiency. Also called: IMMUNODEFICIENCY 26 WITH NEUROLOGIC ABNORMALITIES; Immunodeficiency 26 with or without neurologic abnormalities. Identifiers: Orphanet 317425, MedGen C4014833, MONDO:0014423, OMIM 615966.

Allele frequency attached by ClinVar (database versions not stated): ExAC 0.00007; gnomAD exomes 0.00008; gnomAD 0.00009; TOPMed 0.00011.
gnomAD v4.1: 130 of 1,609,512 alleles (0.0081%); highest among the groups gnomAD compares: Middle Eastern, 0.083%; 2 homozygotes.

Submissions (3):

CeGaT Center for Human Genetics Tuebingen
Classification: Likely benign. Last evaluated: 2026-05-01. Review status: criteria provided, single submitter. Criteria: CeGaT Center For Human Genetics Tuebingen Variant Classification Criteria Version 2. Collection method: clinical testing. Allele origin: germline. Affected: yes. Observed: 1 variant allele.
Comment: PRKDC: BP4

Labcorp Genetics (formerly Invitae), Labcorp
Classification: Uncertain significance for Severe combined immunodeficiency due to DNA-PKcs deficiency. Last evaluated: 2024-10-16. Review status: criteria provided, single submitter. Criteria: Invitae Variant Classification Sherloc (09022015). Collection method: clinical testing. Allele origin: germline.
Comment: This sequence change replaces leucine, which is neutral and non-polar, with proline, which is neutral and non-polar, at codon 2337 of the PRKDC protein (p.Leu2337Pro). This variant is present in population databases (rs375706148, gnomAD 0.04%). This variant has not been reported in the literature in individuals affected with PRKDC-related conditions. ClinVar contains an entry for this variant (Variation ID: 541988). Invitae Evidence Modeling of protein sequence and biophysical properties (such as structural, functional, and spatial information, amino acid conservation, physicochemical variation, residue mobility, and thermodynamic stability) indicates that this missense variant is not expected to disrupt PRKDC protein function with a negative predictive value of 80%. In summary, the available evidence is currently insufficient to determine the role of this variant in disease. Therefore, it has been classified as a Variant of Uncertain Significance.

Breakthrough Genomics
Classification: Uncertain significance. Review status: criteria provided, single submitter. Criteria: ACMG Guidelines, 2015. Collection method: not provided. Allele origin: germline. Inheritance: Autosomal recessive inheritance. Affected: yes.

NM_006904.7(PRKDC):c.7010T>C (p.Leu2337Pro)

Gene: PRKDC (protein kinase, DNA-activated, catalytic subunit; minus strand). Cytogenetic location: 8q11.21.
Variant type: single nucleotide variant.
Coding change: c.7010T>C on transcript NM_006904.7 (MANE Select); coding-DNA position 7010, T replaced by C.
Protein change: p.Leu2337Pro; replaces leucine 2337 with proline.
Molecular consequence: missense variant.
Genome position (GRCh38, 1-based): chr8:47,849,499, A>G on the plus strand (T>C on the coding strand, the complement: PRKDC is on the minus strand). VCF-style: chr8-47849499-A-G. GRCh37 (hg19) VCF-style: chr8-48762060-A-G.
Other names: c.7010T>C, p.Leu2337Pro (NM_001081640.2); short protein forms L2337P.
Identifiers: ClinVar variation 541988 (VCV000541988.8), dbSNP rs375706148, ClinGen allele CA4740197.